The following is an entry in ClinVar:

ClinVar aggregate classification (germline): Uncertain significance (1 of 4 stars; one submission).

Conditions:
Legius syndrome. Identifiers: Orphanet 137605, MedGen C1969623, MONDO:0012669, OMIM 611431. Disease mechanism: loss of function.

gnomAD v4.1: 4 of 1,614,066 alleles (0.00025%); highest among the groups gnomAD compares: South Asian, 0.0044%; 1 homozygote.

Submission:

Labcorp Genetics (formerly Invitae), Labcorp
Classification: Uncertain significance for Legius syndrome. Last evaluated: 2026-01-31. Review status: criteria provided, single submitter. Criteria: Invitae Variant Classification Sherloc (09022015). Collection method: clinical testing. Allele origin: germline.
Comment: This sequence change replaces glycine, which is neutral and non-polar, with serine, which is neutral and polar, at codon 330 of the SPRED1 protein (p.Gly330Ser). This variant is present in population databases (no rsID available, gnomAD 0.003%). This variant has not been reported in the literature in individuals affected with SPRED1-related conditions. Invitae Evidence Modeling of protein sequence and biophysical properties (such as structural, functional, and spatial information, amino acid conservation, physicochemical variation, residue mobility, and thermodynamic stability) indicates that this missense variant is not expected to disrupt SPRED1 protein function with a negative predictive value of 80%. In summary, the available evidence is currently insufficient to determine the role of this variant in disease. Therefore, it has been classified as a Variant of Uncertain Significance.

NM_152594.3(SPRED1):c.988G>A (p.Gly330Ser)

Gene: SPRED1 (sprouty related EVH1 domain containing 1; plus strand). Cytogenetic location: 15q14.
Variant type: single nucleotide variant.
Coding change: c.988G>A on transcript NM_152594.3 (MANE Select); coding-DNA position 988, G replaced by A.
Protein change: p.Gly330Ser; replaces glycine 330 with serine.
Molecular consequence: missense variant.
Genome position (GRCh38, 1-based): chr15:38,351,317, G>A. VCF-style: chr15-38351317-G-A. GRCh37 (hg19) VCF-style: chr15-38643518-G-A.
Other names: short protein forms G330S.
Identifiers: ClinVar variation 4703968 (VCV004703968.1).